The following is an entry in ClinVar:

ClinVar aggregate classification (germline): Uncertain significance (1 of 4 stars; one submission).

Conditions:
Arrhythmogenic right ventricular cardiomyopathy (ARVD). Also called: Arrhythmogenic right ventricular dysplasia; Cardiomyopathy, ARVC; Arrhythmogenic cardiomyopathy; Arrhythmogenic Right Ventricular Cardiomyopathy (ARVC). Identifiers: Orphanet 247, MedGen C0349788, MeSH D019571, MONDO:0016587. Disease mechanism: loss of function. Inheritance: Various modes of inheritance.

Submission:

All of Us Research Program, National Institutes of Health
Classification: Uncertain significance for Arrhythmogenic right ventricular cardiomyopathy. Last evaluated: 2024-04-25. Review status: criteria provided, single submitter. Criteria: ACMG Guidelines, 2015. Collection method: clinical testing. Allele origin: germline. Inheritance: Autosomal dominant inheritance. Observed: 1 variant allele, 1 heterozygote.
Comment: This missense variant replaces histidine with glutamine at codon 523 of the DSG2 protein. Computational prediction suggests that this variant may not impact protein structure and function (internally defined REVEL score threshold <= 0.5, PMID: 27666373). To our knowledge, functional studies have not been reported for this variant. This variant has not been reported in individuals affected with DSG2-related disorders in the literature. This variant has not been identified in the general population by the Genome Aggregation Database (gnomAD). The available evidence is insufficient to determine the role of this variant in disease conclusively. Therefore, this variant is classified as a Variant of Uncertain Significance.

This study involves interpretation of variants in research participants for the purpose of population health screening. Participant phenotype was not available at the time of variant classification. Additional details can be found in publication PMID: 35346344, PMCID: PMC8962531

NM_001943.5(DSG2):c.1569C>A (p.His523Gln)

Gene: DSG2 (desmoglein 2; plus strand). Cytogenetic location: 18q12.1.
Variant type: single nucleotide variant.
Coding change: c.1569C>A on transcript NM_001943.5 (MANE Select); coding-DNA position 1569, C replaced by A.
Protein change: p.His523Gln; replaces histidine 523 with glutamine.
Molecular consequence: missense variant.
Genome position (GRCh38, 1-based): chr18:31,536,347, C>A. VCF-style: chr18-31536347-C-A. GRCh37 (hg19) VCF-style: chr18-29116310-C-A.
Other names: short protein forms H523Q.
Identifiers: ClinVar variation 3386588 (VCV003386588.1).